The following is an entry in ClinVar:

NM_014339.7(IL17RA):c.846+4_846+31del

Gene: IL17RA (interleukin 17 receptor A; plus strand). Cytogenetic location: 22q11.1.
Variant type: Deletion.
Coding change: c.846+4_846+31del on transcript NM_014339.7 (MANE Select); bases 4 to 31 of the intron after coding-DNA position 846, 28 bases deleted (GGTGAGTGTGGTGTGGACAGGTGCAGGG).
Molecular consequence: intron variant.
Genome position (GRCh38, 1-based): chr22:17,103,581-17,103,608, GGTGAGTGTGGTGTGGACAGGTGCAGGG deleted; deleting any 28 consecutive bases within chr22:17,103,580-17,103,608 gives the same sequence; the c. name uses the placement nearest the transcript's 3' end. VCF-style (leftmost placement, unchanged base first): chr22-17103579-TGGGTGAGTGTGGTGTGGACAGGTGCAGG-T. GRCh37 (hg19) VCF-style: chr22-17584469-TGGGTGAGTGTGGTGTGGACAGGTGCAGG-T.
Other names: c.846+4_846+31del (NM_001289905.2).
Identifiers: ClinVar variation 1471119 (VCV001471119.6), dbSNP rs2123803860, ClinGen allele CA2573157539.

ClinVar aggregate classification (germline): Uncertain significance (1 of 4 stars; one submission).

Conditions:
Immunodeficiency 51 (IMD51). Also called: CANDIDIASIS, FAMILIAL, 5. Identifiers: Orphanet 1334, MedGen C4310803, MONDO:0013500, OMIM 613953.

Submission:

Labcorp Genetics (formerly Invitae), Labcorp
Classification: Uncertain significance for Immunodeficiency 51. Last evaluated: 2022-02-23. Review status: criteria provided, single submitter. Criteria: Invitae Variant Classification Sherloc (09022015). Collection method: clinical testing. Allele origin: germline.
Comment: This sequence change falls in intron 8 of the IL17RA gene. It does not directly change the encoded amino acid sequence of the IL17RA protein. It affects a nucleotide within the consensus splice site. In summary, the available evidence is currently insufficient to determine the role of this variant in disease. Therefore, it has been classified as a Variant of Uncertain Significance. Variants that disrupt the consensus splice site are a relatively common cause of aberrant splicing (PMID: 17576681, 9536098). Algorithms developed to predict the effect of sequence changes on RNA splicing suggest that this variant may disrupt the consensus splice site. This variant has not been reported in the literature in individuals affected with IL17RA-related conditions. This variant is not present in population databases (gnomAD no frequency).

Literature cited by the submitters: PubMed 17576681; PubMed 9536098.